The following is an entry in ClinVar:

ClinVar aggregate classification (germline): Uncertain significance (1 of 4 stars; one submission).

Conditions:
Myopathy, proximal, and ophthalmoplegia (CMYO6). Also called: MYOPATHY WITH CONGENITAL JOINT CONTRACTURES, OPHTHALMOPLEGIA, AND RIMMED VACUOLES; CONGENITAL MYOPATHY 6 WITH OPHTHALMOPLEGIA; INCLUSION BODY MYOPATHY 3, AUTOSOMAL DOMINANT. Identifiers: Orphanet 363677, Orphanet 79091, MedGen C1854106, MONDO:0011577, OMIM 605637.

Allele frequency attached by ClinVar (database versions not stated): gnomAD exomes 0.00001; TOPMed 0.00001.
gnomAD v4.1: 3 of 1,614,122 alleles (0.00019%); highest among the groups gnomAD compares: African/African-American, 0.004%; no homozygotes.

Submission:

Labcorp Genetics (formerly Invitae), Labcorp
Classification: Uncertain significance for Myopathy, proximal, and ophthalmoplegia. Last evaluated: 2025-07-01. Review status: criteria provided, single submitter. Criteria: Invitae Variant Classification Sherloc (09022015). Collection method: clinical testing. Allele origin: germline.
Comment: This sequence change replaces alanine, which is neutral and non-polar, with threonine, which is neutral and polar, at codon 733 of the MYH2 protein (p.Ala733Thr). This variant is not present in population databases (gnomAD no frequency). This variant has not been reported in the literature in individuals affected with MYH2-related conditions. ClinVar contains an entry for this variant (Variation ID: 2878882). Invitae Evidence Modeling of protein sequence and biophysical properties (such as structural, functional, and spatial information, amino acid conservation, physicochemical variation, residue mobility, and thermodynamic stability) indicates that this missense variant is not expected to disrupt MYH2 protein function with a negative predictive value of 80%. In summary, the available evidence is currently insufficient to determine the role of this variant in disease. Therefore, it has been classified as a Variant of Uncertain Significance.

NM_017534.6(MYH2):c.2197G>A (p.Ala733Thr)

Genes: MYH2 (myosin heavy chain 2; minus strand), MYHAS (myosin heavy chain gene cluster antisense RNA; plus strand). Cytogenetic location: 17p13.1.
Variant type: single nucleotide variant.
Coding change: c.2197G>A on transcript NM_017534.6 (MANE Select); coding-DNA position 2197, G replaced by A.
Protein change: p.Ala733Thr; replaces alanine 733 with threonine.
Molecular consequence: missense variant.
Genome position (GRCh38, 1-based): chr17:10,533,616, C>T on the plus strand (G>A on the coding strand, the complement: MYH2 is on the minus strand). VCF-style: chr17-10533616-C-T. GRCh37 (hg19) VCF-style: chr17-10436933-C-T.
Other names: c.2197G>A, p.Ala733Thr (NM_001100112.2); short protein forms A733T.
Identifiers: ClinVar variation 2878882 (VCV002878882.3), dbSNP rs2073450419, ClinGen allele CA398149484.